The following is an entry in ClinVar:

ClinVar aggregate classification (germline): Uncertain significance (1 of 4 stars; one submission).

Submission:

GeneDx
Classification: Uncertain significance. Last evaluated: 2023-03-02. Review status: criteria provided, single submitter. Criteria: GeneDx Variant Classification Process June 2021. Collection method: clinical testing. Allele origin: germline. Affected: yes.
Comment: In silico analysis supports that this missense variant does not alter protein structure/function; Not observed at significant frequency in large population cohorts (gnomAD); This variant is associated with the following publications: (PMID: 26275793)

NM_001323289.2(CDKL5):c.2683C>T (p.Pro895Ser)

Gene: CDKL5 (cyclin dependent kinase like 5; plus strand). Cytogenetic location: Xp22.13.
Variant type: single nucleotide variant.
Coding change: c.2683C>T on transcript NM_001323289.2 (MANE Select); coding-DNA position 2683, C replaced by T.
Protein change: p.Pro895Ser; replaces proline 895 with serine.
Molecular consequence: missense variant.
Genome position (GRCh38, 1-based): chrX:18,628,557, C>T. VCF-style: chrX-18628557-C-T. GRCh37 (hg19) VCF-style: chrX-18646677-C-T.
Other names: c.2683C>T, p.Pro895Ser (NM_001037343.2, NM_003159.3); short protein forms P895S.
Identifiers: ClinVar variation 2578294 (VCV002578294.1), dbSNP rs2518899102, ClinGen allele CA412368020.